The following is an entry in ClinVar:

ClinVar aggregate classification (germline): Uncertain significance. Review status: criteria provided, multiple submitters, no conflicts (2 of 4 stars). 2 submissions from 2 submitters: Uncertain significance (2). Last evaluated 2022-05-27.

Allele frequency attached by ClinVar (database versions not stated): ExAC 0.00004.
gnomAD v4.1: 20 of 1,613,800 alleles (0.0012%); highest among the groups gnomAD compares: South Asian, 0.0088%; no homozygotes.

Submissions (2):

Labcorp Genetics (formerly Invitae), Labcorp
Classification: Uncertain significance. Last evaluated: 2022-05-27. Review status: criteria provided, single submitter. Criteria: Invitae Variant Classification Sherloc (09022015). Collection method: clinical testing. Allele origin: germline.
Comment: This sequence change replaces glutamic acid, which is acidic and polar, with lysine, which is basic and polar, at codon 499 of the KIAA0556 protein (p.Glu499Lys). This variant is present in population databases (rs770541088, gnomAD 0.03%). This variant has not been reported in the literature in individuals affected with KIAA0556-related conditions. Algorithms developed to predict the effect of missense changes on protein structure and function are either unavailable or do not agree on the potential impact of this missense change (SIFT: "Deleterious"; PolyPhen-2: "Possibly Damaging"; Align-GVGD: "Class C0"). In summary, the available evidence is currently insufficient to determine the role of this variant in disease. Therefore, it has been classified as a Variant of Uncertain Significance.

Ambry Genetics
Classification: Uncertain significance. Last evaluated: 2021-08-10. Review status: criteria provided, single submitter. Criteria: Ambry Variant Classification Scheme 2023. Collection method: clinical testing. Allele origin: germline.

NM_015202.5(KATNIP):c.1495G>A (p.Glu499Lys)

Genes: KATNIP (katanin interacting protein; plus strand), LOC100128079 (uncharacterized LOC100128079; minus strand). Cytogenetic location: 16p12.1.
Variant type: single nucleotide variant.
Coding change: c.1495G>A on transcript NM_015202.5 (MANE Select); coding-DNA position 1495, G replaced by A.
Protein change: p.Glu499Lys; replaces glutamic acid 499 with lysine.
Molecular consequence: missense variant. On other transcripts: non-coding transcript variant (1).
Genome position (GRCh38, 1-based): chr16:27,708,810, G>A. VCF-style: chr16-27708810-G-A. GRCh37 (hg19) VCF-style: chr16-27720131-G-A.
Other names: c.1495G>A (NM_015202.2); short protein forms E499K.
Identifiers: ClinVar variation 2148972 (VCV002148972.2), dbSNP rs770541088, ClinGen allele CA7977722.